The following is an entry in ClinVar:

NM_001374828.1(ARID1B):c.1679A>G (p.Lys560Arg)

Gene: ARID1B (AT-rich interaction domain 1B; plus strand). Cytogenetic location: 6q25.3.
Variant type: single nucleotide variant.
Coding change: c.1679A>G on transcript NM_001374828.1 (MANE Select); coding-DNA position 1679, A replaced by G.
Protein change: p.Lys560Arg; replaces lysine 560 with arginine.
Molecular consequence: missense variant.
Genome position (GRCh38, 1-based): chr6:156,779,359, A>G. VCF-style: chr6-156779359-A-G. GRCh37 (hg19) VCF-style: chr6-157100493-A-G.
Other names: c.1430A>G, p.Lys477Arg (NM_001346813.1, NM_020732.3); c.1679A>G, p.Lys560Arg (NM_001371656.1, NM_001374820.1, NM_017519.3); c.1256A>G, p.Lys419Arg (NM_175863.2); short protein forms K419R, K477R, K560R.
Identifiers: ClinVar variation 3055171 (VCV003055171.2), dbSNP rs1215958095, ClinGen allele CA366385369.
Genomic context (GRCh38, chr6:156,779,359, plus strand): 5'-CGGCGGCGGCGGGGGCGGCGGCGGGCGGCCAGCAGGCGGCCGCGGGCATGGGCTTGGGCA[A>G]GGACATGGGCGCCCAGTACGCCGCTGCCAGCCCGGCCTGGGCGGCCGCGCAACAAAGGAG-3'
Protein context (NP_001361757.1, residues 550-570): QQAAAGMGLG[Lys560Arg]DMGAQYAAAS

ClinVar aggregate classification (germline): Uncertain significance (0 of 4 stars; one submission).

Conditions:
ARID1B-Related Disorder. Identifiers: MedGen CN381337.

Allele frequency attached by ClinVar (database versions not stated): TOPMed below 0.00001; gnomAD exomes 0.00001.
gnomAD v4.1: 2 of 1,273,944 alleles (0.00016%); highest among the groups gnomAD compares: Admixed American, 0.0037%; no homozygotes.

Submission:

PreventionGenetics, part of Exact Sciences
Classification: Uncertain significance for ARID1B-related condition. Last evaluated: 2023-12-27. Review status: no assertion criteria provided. Collection method: clinical testing. Allele origin: germline.
Comment: The ARID1B c.1430A>G variant is predicted to result in the amino acid substitution p.Lys477Arg. To our knowledge, this variant has not been reported in the literature or in a large population database, indicating this variant is rare. At this time, the clinical significance of this variant is uncertain due to the absence of conclusive functional and genetic evidence.